The following is an entry in ClinVar:

ClinVar aggregate classification (germline): Uncertain significance (1 of 4 stars; one submission).

Conditions:
Hereditary cancer-predisposing syndrome. Also called: Tumor predisposition; Hereditary neoplastic syndrome; Hereditary Cancer Syndrome; Neoplastic Syndromes, Hereditary. Identifiers: Orphanet 140162, MedGen C0027672, MeSH D009386, MONDO:0015356.

Submission:

Ambry Genetics
Classification: Uncertain significance for Hereditary cancer-predisposing syndrome. Last evaluated: 2025-04-01. Review status: criteria provided, single submitter. Criteria: Ambry Variant Classification Scheme 2023. Collection method: clinical testing. Allele origin: germline.
Comment: The p.P196S variant (also known as c.586C>T), located in coding exon 5 of the TSC1 gene, results from a C to T substitution at nucleotide position 586. The proline at codon 196 is replaced by serine, an amino acid with similar properties. This amino acid position is highly conserved in available vertebrate species. In addition, this alteration is predicted to be deleterious by in silico analysis. Based on the available evidence, the clinical significance of this variant remains unclear.

NM_000368.5(TSC1):c.586C>T (p.Pro196Ser)

Gene: TSC1 (TSC complex subunit 1; minus strand). Cytogenetic location: 9q34.13.
Variant type: single nucleotide variant.
Coding change: c.586C>T on transcript NM_000368.5 (MANE Select); coding-DNA position 586, C replaced by T.
Protein change: p.Pro196Ser; replaces proline 196 with serine.
Molecular consequence: missense variant. On other transcripts: 5 prime UTR variant (5), non-coding transcript variant (5).
Genome position (GRCh38, 1-based): chr9:132,921,896, G>A on the plus strand (C>T on the coding strand, the complement: TSC1 is on the minus strand). VCF-style: chr9-132921896-G-A. GRCh37 (hg19) VCF-style: chr9-135797283-G-A.
Other names: c.433C>T, p.Pro145Ser (NM_001406612.1, NM_001406613.1, NM_001162427.2 and 2 more transcripts); c.223C>T, p.Pro75Ser (NM_001406614.1, NM_001406615.1, NM_001406616.1 and 10 more transcripts); c.586C>T, p.Pro196Ser (NM_001162426.2, NM_001406592.1, NM_001406593.1 and 16 more transcripts); c.-292C>T (NM_001406626.1, NM_001406627.1, NM_001406628.1); c.-434C>T (NM_001406629.1); c.-508C>T (NM_001406630.1); short protein forms P145S, P196S, P75S.
Identifiers: ClinVar variation 3974537 (VCV003974537.1).
Genomic context (GRCh38, chr9:132,921,896, plus strand): 5'-AAGTCTCCAGGTTTTCTTTCATACTGTAATGAGAACGCAAAAAGGAGACGAAGTTGCAAG[G>A]GTACATTCCATAAAGGCGATGAAAGAGTGCGTACACACTGGCATGGAGATGGACGAGATA-3'
Protein context (NP_000359.1, residues 186-206): ALFHRLYGMY[Pro196Ser]CNFVSFLRSH